The following is an entry in ClinVar:

NM_001379200.1(TBX1):c.1222G>T (p.Glu408Ter)

Gene: TBX1 (T-box transcription factor 1; plus strand). Cytogenetic location: 22q11.21.
Variant type: single nucleotide variant.
Coding change: c.1222G>T on transcript NM_001379200.1 (MANE Select); coding-DNA position 1222, G replaced by T.
Protein change: p.Glu408Ter; replaces glutamic acid 408 with a stop codon.
Molecular consequence: nonsense. On other transcripts: intron variant (2).
Genome position (GRCh38, 1-based): chr22:19,766,574, G>T. VCF-style: chr22-19766574-G-T. GRCh37 (hg19) VCF-style: chr22-19754097-G-T.
Other names: c.1195G>T, p.Glu399Ter (NM_080647.1); c.1009+572G>T (NM_005992.1, NM_080646.2); short protein forms E399*, E408*.
Identifiers: ClinVar variation 3773861 (VCV003773861.2).

ClinVar aggregate classification (germline): Pathogenic/Likely pathogenic. Review status: criteria provided, multiple submitters, no conflicts (2 of 4 stars). 2 submissions from 2 submitters: Pathogenic (1); Likely pathogenic (1). Last evaluated 2025-05-11.

Conditions:
DiGeorge syndrome. Also called: Catch22; THIRD AND FOURTH PHARYNGEAL POUCH SYNDROME. Identifiers: Orphanet 567, MedGen C0012236, MONDO:0008564, OMIM 188400.
TBX1-related disorder. Also called: TBX1-related condition; TBX1-Related Disorders.

Submissions (2):

Labcorp Genetics (formerly Invitae), Labcorp
Classification: Pathogenic for DiGeorge syndrome. Last evaluated: 2025-05-11. Review status: criteria provided, single submitter. Criteria: Invitae Variant Classification Sherloc (09022015). Collection method: clinical testing. Allele origin: germline.
Comment: This sequence change creates a premature translational stop signal (p.Glu399*) in the TBX1 gene. While this is not anticipated to result in nonsense mediated decay, it is expected to disrupt the last 97 amino acid(s) of the TBX1 protein. This variant is not present in population databases (gnomAD no frequency). This variant has not been reported in the literature in individuals affected with TBX1-related conditions. ClinVar contains an entry for this variant (Variation ID: 3773861). This variant disrupts a region of the TBX1 protein in which other variant(s) (p.Tyr418Phefs*42) have been determined to be pathogenic (PMID: 24637876). This suggests that this is a clinically significant region of the protein, and that variants that disrupt it are likely to be disease-causing. For these reasons, this variant has been classified as Pathogenic.

Rady Children's Institute for Genomic Medicine, Rady Children's Hospital San Diego
Classification: Likely pathogenic for TBX1-related disorders. Last evaluated: 2023-12-20. Review status: criteria provided, single submitter. Criteria: ACMG Guidelines, 2015. Collection method: clinical testing. Allele origin: germline. Affected: yes.
Comment: This nonsense variant is found in the last exon of TBX1, therefore the resulting mRNA is predicted to escape nonsense-mediated decay. However, truncating variants located downstream of this variant have been reported as disease-causing variants in the literature (PMID: 11748311, 24637876, 24797903). A frameshift variant at a similar position, c.1176_1195dup20 p.Glu399Glyfs, has been reported in an individual who presented with abnormal newborn screening, dysmorphic features, failed newborn hearing screen and clinical diagnosis of SCID (PMID: 35095830). The c.1195G>T (p.Glu399Ter) variant has not been previously reported or functionally characterized in the literature to our knowledge. This variant is absent from the gnomAD population database and thus is presumed to be rare. Based on the available evidence, c.1195G>T (p.Glu399Ter) is classified as Likely Pathogenic.

Literature cited by the submitters: PubMed 24637876 (cited by Labcorp Genetics (formerly Invitae), Labcorp).